The following is an entry in ClinVar:

NM_000092.5(COL4A4):c.2124A>T (p.Arg708Ser)

Gene: COL4A4 (collagen type IV alpha 4 chain; minus strand). Cytogenetic location: 2q36.3.
Variant type: single nucleotide variant.
Coding change: c.2124A>T on transcript NM_000092.5 (MANE Select); coding-DNA position 2124, A replaced by T.
Protein change: p.Arg708Ser; replaces arginine 708 with serine.
Molecular consequence: missense variant.
Genome position (GRCh38, 1-based): chr2:227,060,176, T>A on the plus strand (A>T on the coding strand, the complement: COL4A4 is on the minus strand). VCF-style: chr2-227060176-T-A. GRCh37 (hg19) VCF-style: chr2-227924892-T-A.
Other names: short protein forms R708S.
Identifiers: ClinVar variation 1307158 (VCV001307158.2), dbSNP rs2150287552, ClinGen allele CA350842337.
Genomic context (GRCh38, chr2:227,060,176, plus strand): 5'-AAAAAAAAAACCTCACTGACCAGGTGGACCTGGTATTTCCGCTGTTCCTGGTGTGCCAGG[T>A]CTGCCTTTATGCCCATCTGAACCACTCAGCCCAGGGGCACCTTGGGGACCTGGAAATCCC-3'
Protein context (NP_000083.3, residues 698-718): GLSGSDGHKG[Arg708Ser]PGTPGTAEIP

ClinVar aggregate classification (germline): Uncertain significance (1 of 4 stars; one submission).

gnomAD v4.1: 1 of 1,595,228 alleles (0.000063%); highest among the groups gnomAD compares: South Asian, 0.0011%; no homozygotes.

Submission:

GeneDx
Classification: Uncertain significance. Last evaluated: 2019-07-25. Review status: criteria provided, single submitter. Criteria: GeneDx Variant Classification Process June 2021. Collection method: clinical testing. Allele origin: germline. Affected: yes.
Comment: Not observed in large population cohorts (Lek et al., 2016); In silico analysis, which includes protein predictors and evolutionary conservation, supports that this variant does not alter protein structure/function; Has not been previously published as pathogenic or benign to our knowledge